The following is an entry in ClinVar:

ClinVar aggregate classification (germline): Uncertain significance. Review status: criteria provided, multiple submitters, no conflicts (2 of 4 stars). 4 submissions from 4 submitters: Uncertain significance (4). Last evaluated 2024-12-11.

Conditions:
Catecholaminergic polymorphic ventricular tachycardia 1. Also called: VENTRICULAR TACHYCARDIA, CATECHOLAMINERGIC POLYMORPHIC, 1, WITH OR WITHOUT ATRIAL DYSFUNCTION AND/OR DILATED CARDIOMYOPATHY; VENTRICULAR TACHYCARDIA, STRESS-INDUCED POLYMORPHIC 1; RYR2-Related Catecholaminergic Polymorphic Ventricular Tachycardia. Identifiers: Orphanet 3286, MedGen C1631597, MONDO:0011484, OMIM 604772.
Cardiomyopathy (CMYO). Also called: Cardiomyopathies. Identifiers: Orphanet 167848, MedGen C0878544, MONDO:0004994, HP:0001638. Inheritance: Various modes of inheritance.

Submissions (4):

GeneDx
Classification: Uncertain significance. Last evaluated: 2024-12-11. Review status: criteria provided, single submitter. Criteria: GeneDx Variant Classification Process June 2021. Collection method: clinical testing. Allele origin: germline. Affected: yes.
Comment: Not observed at significant frequency in large population cohorts (gnomAD); In silico analysis supports that this missense variant has a deleterious effect on protein structure/function; Has not been previously published as pathogenic or benign to our knowledge; Located in one of the three hot-spot regions of the RYR2 gene, where the majority of pathogenic missense variants occur (PMID: 19926015); This variant is associated with the following publications: (PMID: 19926015)

Labcorp Genetics (formerly Invitae), Labcorp
Classification: Uncertain significance for Catecholaminergic polymorphic ventricular tachycardia 1. Last evaluated: 2024-04-01. Review status: criteria provided, single submitter. Criteria: Invitae Variant Classification Sherloc (09022015). Collection method: clinical testing. Allele origin: germline.
Comment: This sequence change replaces proline, which is neutral and non-polar, with alanine, which is neutral and non-polar, at codon 2362 of the RYR2 protein (p.Pro2362Ala). This variant is not present in population databases (gnomAD no frequency). This missense change has been observed in individual(s) with clinical features of RYR2-related conditions (Invitae). ClinVar contains an entry for this variant (Variation ID: 926274). Advanced modeling of protein sequence and biophysical properties (such as structural, functional, and spatial information, amino acid conservation, physicochemical variation, residue mobility, and thermodynamic stability) has been performed at Invitae for this missense variant, however the output from this modeling did not meet the statistical confidence thresholds required to predict the impact of this variant on RYR2 protein function. In summary, the available evidence is currently insufficient to determine the role of this variant in disease. Therefore, it has been classified as a Variant of Uncertain Significance.

Color Diagnostics, LLC DBA Color Health
Classification: Uncertain significance for Cardiomyopathy. Last evaluated: 2023-12-05. Review status: criteria provided, single submitter. Criteria: ACMG Guidelines, 2015. Collection method: clinical testing. Allele origin: germline.
Comment: This missense variant replaces proline with alanine at codon 2362 of the RYR2 protein. Computational prediction tools and conservation analyses suggest that this variant may have deleterious impact on the protein function. Computational splicing tools suggest that this variant may not impact RNA splicing. To our knowledge, functional assays have not been performed for this variant nor has this variant been reported in individuals affected with cardiovascular disorders in the literature. This variant has not been identified in the general population by the Genome Aggregation Database (gnomAD). Available evidence is insufficient to determine the role of this variant in disease conclusively. Therefore, this variant is classified as a Variant of Uncertain Significance.

AiLife Diagnostics
Classification: Uncertain significance. Last evaluated: 2021-06-28. Review status: criteria provided, single submitter. Criteria: ACMG Guidelines, 2015. Collection method: clinical testing. Allele origin: germline. Affected: yes. Observed: 1 variant allele.

NM_001035.3(RYR2):c.7084C>G (p.Pro2362Ala)

Gene: RYR2 (ryanodine receptor 2; plus strand). Cytogenetic location: 1q43.
Variant type: single nucleotide variant.
Coding change: c.7084C>G on transcript NM_001035.3 (MANE Select); coding-DNA position 7084, C replaced by G.
Protein change: p.Pro2362Ala; replaces proline 2362 with alanine.
Molecular consequence: missense variant.
Genome position (GRCh38, 1-based): chr1:237,639,170, C>G. VCF-style: chr1-237639170-C-G. GRCh37 (hg19) VCF-style: chr1-237802470-C-G.
Other names: c.7084C>G (NM_001035.2); short protein forms P2362A.
Identifiers: ClinVar variation 926274 (VCV000926274.16), dbSNP rs1681189802, ClinGen allele CA345396049.